The following is an entry in ClinVar:

ClinVar aggregate classification (germline): Likely benign (1 of 4 stars; one submission).

gnomAD v4.1: 645 of 1,313,658 alleles (0.049%); highest among the groups gnomAD compares: Non-Finnish European, 0.067%; 1 homozygote.

Submission:

Mayo Clinic Laboratories, Mayo Clinic
Classification: Likely benign. Last evaluated: 2024-12-03. Review status: criteria provided, single submitter. Criteria: ACMG Guidelines, 2015. Collection method: clinical testing. Allele origin: germline. Observed: 1 variant allele.
Comment: BP4, BP7

NM_138694.4(PKHD1):c.11311-27C>T

Gene: PKHD1 (PKHD1 ciliary IPT domain containing fibrocystin/polyductin; minus strand). Cytogenetic location: 6p12.3.
Variant type: single nucleotide variant.
Coding change: c.11311-27C>T on transcript NM_138694.4 (MANE Select); 27 bases into the intron before coding-DNA position 11311, C replaced by T.
Molecular consequence: intron variant.
Genome position (GRCh38, 1-based): chr6:51,648,145, G>A on the plus strand (C>T on the coding strand, the complement: PKHD1 is on the minus strand). VCF-style: chr6-51648145-G-A. GRCh37 (hg19) VCF-style: chr6-51512943-G-A.
Other names: p.?.
Identifiers: ClinVar variation 4683191 (VCV004683191.1).